The following is an entry in ClinVar:

NM_018979.4(WNK1):c.5303T>G (p.Leu1768Arg)

Gene: WNK1 (WNK lysine deficient protein kinase 1; plus strand). Cytogenetic location: 12p13.33.
Variant type: single nucleotide variant.
Coding change: c.5303T>G on transcript NM_018979.4 (MANE Select); coding-DNA position 5303, T replaced by G.
Protein change: p.Leu1768Arg; replaces leucine 1768 with arginine.
Molecular consequence: missense variant.
Genome position (GRCh38, 1-based): chr12:887,243, T>G. VCF-style: chr12-887243-T-G. GRCh37 (hg19) VCF-style: chr12-996409-T-G.
Other names: c.6083T>G, p.Leu2028Arg (NM_001184985.2); c.4562T>G, p.Leu1521Arg (NM_014823.3); c.6059T>G, p.Leu2020Arg (NM_213655.5); short protein forms L1521R, L1768R, L2020R, L2028R.
Identifiers: ClinVar variation 1016442 (VCV001016442.9), dbSNP rs1328963512, ClinGen allele CA383333037.

ClinVar aggregate classification (germline): Uncertain significance. Review status: criteria provided, multiple submitters, no conflicts (2 of 4 stars). 2 submissions from 2 submitters: Uncertain significance (2). Last evaluated 2024-01-01.

Conditions:
Pseudohypoaldosteronism type 2C (PHA2C). Also called: Pseudohypoaldosteronism Type IIC. Identifiers: Orphanet 757, Orphanet 88940, MedGen C1840391, MONDO:0013778, OMIM 614492.
Neuropathy, hereditary sensory and autonomic, type 2A (HSAN2A). Also called: ACROOSTEOLYSIS, GIACCAI TYPE; ACROOSTEOLYSIS, NEUROGENIC; MORVAN DISEASE; NEUROPATHY, CONGENITAL SENSORY; NEUROPATHY, HEREDITARY SENSORY RADICULAR, AUTOSOMAL RECESSIVE; NEUROPATHY, HEREDITARY SENSORY, TYPE IIA. Identifiers: Orphanet 970, MedGen C2752089, MONDO:0024309, OMIM 201300.

Allele frequency attached by ClinVar (database versions not stated): gnomAD 0.00001; TOPMed 0.00001.
gnomAD v4.1: 2 of 1,614,104 alleles (0.00012%); highest among the groups gnomAD compares: African/African-American, 0.0027%; no homozygotes.

Submissions (2):

Fulgent Genetics
Classification: Uncertain significance for Neuropathy, hereditary sensory and autonomic, type 2A; Pseudohypoaldosteronism type 2C. Last evaluated: 2024-01-01. Review status: criteria provided, single submitter. Criteria: ACMG Guidelines, 2015. Collection method: clinical testing. Allele origin: germline.

Labcorp Genetics (formerly Invitae), Labcorp
Classification: Uncertain significance for Neuropathy, hereditary sensory and autonomic, type 2A; Pseudohypoaldosteronism type 2C. Last evaluated: 2020-03-26. Review status: criteria provided, single submitter. Criteria: Invitae Variant Classification Sherloc (09022015). Collection method: clinical testing. Allele origin: germline.
Comment: This sequence change replaces leucine with arginine at codon 2020 of the WNK1 protein (p.Leu2020Arg). The leucine residue is moderately conserved and there is a moderate physicochemical difference between leucine and arginine. This variant is not present in population databases (ExAC no frequency). This variant has not been reported in the literature in individuals with WNK1-related conditions. Algorithms developed to predict the effect of missense changes on protein structure and function are either unavailable or do not agree on the potential impact of this missense change (SIFT: "Deleterious"; PolyPhen-2: "Not Available"; Align-GVGD: "Class C0"). In summary, the available evidence is currently insufficient to determine the role of this variant in disease. Therefore, it has been classified as a Variant of Uncertain Significance.